The following is an entry in ClinVar:

NM_002206.3(ITGA7):c.139G>A (p.Glu47Lys)

Gene: ITGA7 (integrin subunit alpha 7; minus strand). Cytogenetic location: 12q13.2.
Variant type: single nucleotide variant.
Coding change: c.139G>A on transcript NM_002206.3 (MANE Select); coding-DNA position 139, G replaced by A.
Protein change: p.Glu47Lys; replaces glutamic acid 47 with lysine.
Molecular consequence: missense variant. On other transcripts: 5 prime UTR variant (1), intron variant (3).
Genome position (GRCh38, 1-based): chr12:55,707,544, C>T on the plus strand (G>A on the coding strand, the complement: ITGA7 is on the minus strand). VCF-style: chr12-55707544-C-T. GRCh37 (hg19) VCF-style: chr12-56101328-C-T.
Other names: c.139G>A, p.Glu47Lys (NM_001144996.2, NM_001374465.1, NM_001410977.1 and 6 more transcripts); c.-1034G>A (NM_001367994.1); c.85+4519G>A (NM_001144997.2); c.-133-4366G>A (NM_001367993.1, NM_001414035.1); short protein forms E47K.
Identifiers: ClinVar variation 470563 (VCV000470563.15), dbSNP rs77929806, ClinGen allele CA6616452.

ClinVar aggregate classification (germline): Likely benign. Review status: criteria provided, multiple submitters, no conflicts (2 of 4 stars). 3 submissions from 3 submitters: Likely benign (2). 1 of the submissions does not count toward it. Last evaluated 2025-10-26.

Conditions:
ITGA7-related disorder. Also called: ITGA7-related condition.
Congenital muscular dystrophy due to integrin alpha-7 deficiency. Also called: Congenital muscular dystrophy with integrin alpha-7 deficiency; Muscular dystrophy, congenital, due to ITGA7 deficiency; MYOPATHY, CONGENITAL, DUE TO INTEGRIN ALPHA-7 DEFICIENCY. Identifiers: Orphanet 34520, MedGen C2750786, MONDO:0013177, OMIM 613204.

Allele frequency attached by ClinVar (database versions not stated): gnomAD exomes 0.00007 and 0.00020; ExAC 0.00032; gnomAD 0.00086 and 0.00088; TOPMed 0.00102; ESP Exome Variant Server 0.00115; 1000 Genomes Project 30x 0.00156; 1000 Genomes Project 0.00160.
gnomAD v4.1: 232 of 1,613,962 alleles (0.014%); highest among the groups gnomAD compares: African/African-American, 0.29%; 1 homozygote.

Submissions (3):

Labcorp Genetics (formerly Invitae), Labcorp
Classification: Likely benign for Congenital muscular dystrophy due to integrin alpha-7 deficiency. Last evaluated: 2025-10-26. Review status: criteria provided, single submitter. Criteria: Invitae Variant Classification Sherloc (09022015). Collection method: clinical testing. Allele origin: germline.

GeneDx
Classification: Likely benign. Last evaluated: 2023-01-03. Review status: criteria provided, single submitter. Criteria: GeneDx Variant Classification Process June 2021. Collection method: clinical testing. Allele origin: germline. Affected: yes.
Comment: See Variant Classification Assertion Criteria.

PreventionGenetics, part of Exact Sciences
Classification: Likely benign for ITGA7-related condition. Last evaluated: 2022-11-07. Review status: no assertion criteria provided. Collection method: clinical testing. Allele origin: germline. Not counted in ClinVar's aggregate classification.
Comment: This variant is classified as likely benign based on ACMG/AMP sequence variant interpretation guidelines (Richards et al. 2015 PMID: 25741868, with internal and published modifications).